The following is an entry in ClinVar:

ClinVar aggregate classification (germline): Likely benign (0 of 4 stars; one submission).

Conditions:
SMG9-related disorder. Also called: SMG9-related condition.

Allele frequency attached by ClinVar (database versions not stated): gnomAD exomes 0.00001.
gnomAD v4.1: 3 of 1,614,010 alleles (0.00019%); highest among the groups gnomAD compares: Non-Finnish European, 0.00025%; no homozygotes.

Submission:

PreventionGenetics, part of Exact Sciences
Classification: Likely benign for SMG9-related condition. Last evaluated: 2023-05-22. Review status: no assertion criteria provided. Collection method: clinical testing. Allele origin: germline.
Comment: This variant is classified as likely benign based on ACMG/AMP sequence variant interpretation guidelines (Richards et al. 2015 PMID: 25741868, with internal and published modifications).

NM_019108.4(SMG9):c.1209G>A (p.Lys403=)

Gene: SMG9 (SMG9 nonsense mediated mRNA decay factor; minus strand). Cytogenetic location: 19q13.31.
Variant type: single nucleotide variant.
Coding change: c.1209G>A on transcript NM_019108.4 (MANE Select); coding-DNA position 1209, G replaced by A.
Protein change: p.Lys403=; no amino-acid change (lysine 403 retained).
Molecular consequence: synonymous variant.
Genome position (GRCh38, 1-based): chr19:43,733,627, C>T on the plus strand (G>A on the coding strand, the complement: SMG9 is on the minus strand). VCF-style: chr19-43733627-C-T. GRCh37 (hg19) VCF-style: chr19-44237779-C-T.
Identifiers: ClinVar variation 3046450 (VCV003046450.2), dbSNP rs2513899357, ClinGen allele CA507933030.
Genomic context (GRCh38, chr19:43,733,627, plus strand): 5'-GGGGTTGGATCAGGAATTAGGAGGCTGACTAGCTTGGGGGGTGATGTGGGAACCCTTACC[C>T]TTGTAACGCAGGTGGGAGTGGGCCATGAGCTGGTCAATCATCAGGTGCATCTGCCGCAGC-3'
Protein context (NP_061981.2, residues 393-413): QLMAHSHLRY[Lys403=]GTLSMLQCNV